The following is an entry in ClinVar:

NM_000088.4(COL1A1):c.3301G>A (p.Glu1101Lys)

Gene: COL1A1 (collagen type I alpha 1 chain; minus strand). Cytogenetic location: 17q21.33.
Variant type: single nucleotide variant.
Coding change: c.3301G>A on transcript NM_000088.4 (MANE Select); coding-DNA position 3301, G replaced by A.
Protein change: p.Glu1101Lys; replaces glutamic acid 1101 with lysine.
Molecular consequence: missense variant.
Genome position (GRCh38, 1-based): chr17:50,187,944, C>T on the plus strand (G>A on the coding strand, the complement: COL1A1 is on the minus strand). VCF-style: chr17-50187944-C-T. GRCh37 (hg19) VCF-style: chr17-48265305-C-T.
Other names: p.Glu1101Lys; short protein forms E1101K.
Identifiers: ClinVar variation 2146276 (VCV002146276.5), dbSNP rs867628651, ClinGen allele CA291543001.
Genomic context (GRCh38, chr17:50,187,944, plus strand): 5'-CAGGGGGACCCTGGAGGCCAGAGAAGCCACGGTGACCCTTTATGCCTCTGTCGCCCTGTT[C>T]GCCTGTCTCACCCTTGTCACCACGGGGGCCTTGGGGTCCCTAGAAGAGAGAAAGGGACAA-3'
Protein context (NP_000079.2, residues 1091-1111): GPRGDKGETG[Glu1101Lys]QGDRGIKGHR

ClinVar aggregate classification (germline): Uncertain significance. Review status: criteria provided, multiple submitters, no conflicts (2 of 4 stars). 2 submissions from 2 submitters: Uncertain significance (2). Last evaluated 2025-02-07.

Conditions:
Osteogenesis imperfecta type I (OI1). Also called: Osteogenesis imperfecta type 1; Lobstein's Disease; OI, TYPE I; OSTEOGENESIS IMPERFECTA TARDA; OSTEOGENESIS IMPERFECTA WITH BLUE SCLERAE; Classic Non-deforming Osteogenesis Imperfecta with Blue Sclerae. Identifiers: Orphanet 216796, Orphanet 666, MedGen C0023931, MONDO:0008146, OMIM 166200. Disease mechanism: loss of function.

Allele frequency attached by ClinVar (database versions not stated): gnomAD exomes below 0.00001; gnomAD 0.00001.
gnomAD v4.1: 7 of 1,613,898 alleles (0.00043%); highest among the groups gnomAD compares: African/African-American, 0.0013%; no homozygotes.

Submissions (2):

Labcorp Genetics (formerly Invitae), Labcorp
Classification: Uncertain significance for Osteogenesis imperfecta type I. Last evaluated: 2025-02-07. Review status: criteria provided, single submitter. Criteria: Invitae Variant Classification Sherloc (09022015). Collection method: clinical testing. Allele origin: germline.
Comment: This sequence change replaces glutamic acid, which is acidic and polar, with lysine, which is basic and polar, at codon 1101 of the COL1A1 protein (p.Glu1101Lys). The frequency data for this variant in the population databases is considered unreliable, as metrics indicate poor data quality at this position in the gnomAD database. This missense change has been observed in individual(s) with Ehlers-Danlos syndrome (PMID: 27011056). ClinVar contains an entry for this variant (Variation ID: 2146276). Invitae Evidence Modeling of protein sequence and biophysical properties (such as structural, functional, and spatial information, amino acid conservation, physicochemical variation, residue mobility, and thermodynamic stability) indicates that this missense variant is expected to disrupt COL1A1 protein function with a positive predictive value of 80%. In summary, the available evidence is currently insufficient to determine the role of this variant in disease. Therefore, it has been classified as a Variant of Uncertain Significance.

Mayo Clinic Laboratories, Mayo Clinic
Classification: Uncertain significance. Last evaluated: 2022-03-01. Review status: criteria provided, single submitter. Criteria: ACMG Guidelines, 2015. Collection method: clinical testing. Allele origin: germline. Observed: 1 variant allele.
Comment: PP2, PP3, PS4_supporting

Literature cited by the submitters: PubMed 27011056 (cited by Labcorp Genetics (formerly Invitae), Labcorp and Mayo Clinic Laboratories, Mayo Clinic).